The following is an entry in ClinVar:

ClinVar aggregate classification (germline): Uncertain significance (1 of 4 stars; one submission).

Allele frequency attached by ClinVar (database versions not stated): gnomAD 0.00001.
gnomAD v4.1: 1 of 1,613,654 alleles (0.000062%); highest among the groups gnomAD compares: African/African-American, 0.0013%; no homozygotes.

Submission:

Labcorp Genetics (formerly Invitae), Labcorp
Classification: Uncertain significance. Last evaluated: 2022-04-11. Review status: criteria provided, single submitter. Criteria: Invitae Variant Classification Sherloc (09022015). Collection method: clinical testing. Allele origin: germline.
Comment: In summary, the available evidence is currently insufficient to determine the role of this variant in disease. Therefore, it has been classified as a Variant of Uncertain Significance. Algorithms developed to predict the effect of missense changes on protein structure and function are either unavailable or do not agree on the potential impact of this missense change (SIFT: "Deleterious"; PolyPhen-2: "Benign"; Align-GVGD: "Class C0"). This variant has not been reported in the literature in individuals affected with TSPEAR-related conditions. This variant is not present in population databases (gnomAD no frequency). This sequence change replaces histidine, which is basic and polar, with proline, which is neutral and non-polar, at codon 504 of the TSPEAR protein (p.His504Pro).

NM_144991.3(TSPEAR):c.1511A>C (p.His504Pro)

Gene: TSPEAR (thrombospondin type laminin G domain and EAR repeats; minus strand). Cytogenetic location: 21q22.3.
Variant type: single nucleotide variant.
Coding change: c.1511A>C on transcript NM_144991.3 (MANE Select); coding-DNA position 1511, A replaced by C.
Protein change: p.His504Pro; replaces histidine 504 with proline.
Molecular consequence: missense variant.
Genome position (GRCh38, 1-based): chr21:44,521,938, T>G on the plus strand (A>C on the coding strand, the complement: TSPEAR is on the minus strand). VCF-style: chr21-44521938-T-G. GRCh37 (hg19) VCF-style: chr21-45941821-T-G.
Other names: c.1307A>C, p.His436Pro (NM_001272037.2); short protein forms H436P, H504P.
Identifiers: ClinVar variation 1396155 (VCV001396155.8), dbSNP rs1200035781, ClinGen allele CA410436756.